The following is an entry in ClinVar:

ClinVar aggregate classification (germline): Uncertain significance (1 of 4 stars; one submission).

Allele frequency attached by ClinVar (database versions not stated): gnomAD exomes 0.00001.
gnomAD v4.1: 17 of 1,613,828 alleles (0.0011%); highest among the groups gnomAD compares: East Asian, 0.0022%; no homozygotes.

Submission:

Labcorp Genetics (formerly Invitae), Labcorp
Classification: Uncertain significance. Last evaluated: 2021-10-13. Review status: criteria provided, single submitter. Criteria: Invitae Variant Classification Sherloc (09022015). Collection method: clinical testing. Allele origin: germline.
Comment: This sequence change replaces threonine with methionine at codon 327 of the WDR1 protein (p.Thr327Met). The threonine residue is moderately conserved and there is a moderate physicochemical difference between threonine and methionine. This variant is not present in population databases (ExAC no frequency). This variant has not been reported in the literature in individuals affected with WDR1-related conditions. Algorithms developed to predict the effect of missense changes on protein structure and function are either unavailable or do not agree on the potential impact of this missense change (SIFT: "Deleterious"; PolyPhen-2: "Probably Damaging"; Align-GVGD: "Class C0"). In summary, the available evidence is currently insufficient to determine the role of this variant in disease. Therefore, it has been classified as a Variant of Uncertain Significance.

NM_017491.5(WDR1):c.980C>T (p.Thr327Met)

Gene: WDR1 (WD repeat domain 1; minus strand). Cytogenetic location: 4p16.1.
Variant type: single nucleotide variant.
Coding change: c.980C>T on transcript NM_017491.5 (MANE Select); coding-DNA position 980, C replaced by T.
Protein change: p.Thr327Met; replaces threonine 327 with methionine.
Molecular consequence: missense variant.
Genome position (GRCh38, 1-based): chr4:10,084,502, G>A on the plus strand (C>T on the coding strand, the complement: WDR1 is on the minus strand). VCF-style: chr4-10084502-G-A. GRCh37 (hg19) VCF-style: chr4-10086126-G-A.
Other names: c.560C>T, p.Thr187Met (NM_005112.5); short protein forms T187M, T327M.
Identifiers: ClinVar variation 1519362 (VCV001519362.3), dbSNP rs1259249160, ClinGen allele CA356360670.